The following is an entry in ClinVar:

NM_001077365.2(POMT1):c.1765G>A (p.Ala589Thr)

Gene: POMT1 (protein O-mannosyltransferase 1; plus strand). Cytogenetic location: 9q34.13.
Variant type: single nucleotide variant.
Coding change: c.1765G>A on transcript NM_001077365.2 (MANE Select); coding-DNA position 1765, G replaced by A.
Protein change: p.Ala589Thr; replaces alanine 589 with threonine.
Molecular consequence: missense variant. On other transcripts: non-coding transcript variant (10).
Genome position (GRCh38, 1-based): chr9:131,521,412, G>A. VCF-style: chr9-131521412-G-A. GRCh37 (hg19) VCF-style: chr9-134396799-G-A.
Other names: c.1603G>A, p.Ala535Thr (NM_001077366.2, NM_001353194.2); c.1765G>A, p.Ala589Thr (NM_001136113.2); c.1414G>A, p.Ala472Thr (NM_001136114.2, NM_001353195.2, NM_001374691.1 and 2 more transcripts); c.1831G>A, p.Ala611Thr (NM_001353193.2, NM_007171.4); c.1675G>A, p.Ala559Thr (NM_001353196.2); c.1669G>A, p.Ala557Thr (NM_001353197.2, NM_001353198.2); c.1480G>A, p.Ala494Thr (NM_001353199.2); c.1309G>A, p.Ala437Thr (NM_001353200.2); and 3 more; short protein forms A611T, A472T, A557T, A494T, A589T, A437T, A535T, A559T.
Identifiers: ClinVar variation 365281 (VCV000365281.7), dbSNP rs747138675, ClinGen allele CA5293817.

ClinVar aggregate classification (germline): Uncertain significance. Review status: criteria provided, multiple submitters, no conflicts (2 of 4 stars). 2 submissions from 2 submitters: Uncertain significance (2). Last evaluated 2022-08-04.

Conditions:
Autosomal recessive limb-girdle muscular dystrophy type 2K. Also called: MUSCULAR DYSTROPHY-DYSTROGLYCANOPATHY (LIMB-GIRDLE), TYPE C, 1; MUSCULAR DYSTROPHY, LIMB-GIRDLE, TYPE 2K. Identifiers: Orphanet 86812, MedGen C1836373, MONDO:0012248, OMIM 609308.
Muscular dystrophy-dystroglycanopathy (congenital with impaired intellectual development), type B, 1. Also called: Muscular dystrophy-dystroglycanopathy (congenital with intellectual disability), type B1; MUSCULAR DYSTROPHY, CONGENITAL, POMT1-RELATED. Identifiers: MedGen C5436962, MONDO:0013159, OMIM 613155.
Walker-Warburg congenital muscular dystrophy. Also called: Muscular dystrophy-dystroglycanopathy, type A; Walker-Warburg syndrome. Identifiers: Orphanet 899, MedGen C0265221, MONDO:0000171.

Allele frequency attached by ClinVar (database versions not stated): TOPMed 0.00002; gnomAD 0.00001.

Submissions (2):

Labcorp Genetics (formerly Invitae), Labcorp
Classification: Uncertain significance for Muscular dystrophy-dystroglycanopathy (congenital with impaired intellectual development), type B, 1; Walker-Warburg congenital muscular dystrophy; Autosomal recessive limb-girdle muscular dystrophy type 2K. Last evaluated: 2022-08-04. Review status: criteria provided, single submitter. Criteria: Invitae Variant Classification Sherloc (09022015). Collection method: clinical testing. Allele origin: germline.
Comment: This sequence change replaces alanine, which is neutral and non-polar, with threonine, which is neutral and polar, at codon 611 of the POMT1 protein (p.Ala611Thr). This variant is present in population databases (rs747138675, gnomAD 0.003%). This variant has not been reported in the literature in individuals affected with POMT1-related conditions. ClinVar contains an entry for this variant (Variation ID: 365281). Algorithms developed to predict the effect of missense changes on protein structure and function output the following: SIFT: "Tolerated"; PolyPhen-2: "Benign"; Align-GVGD: "Class C0". The threonine amino acid residue is found in multiple mammalian species, which suggests that this missense change does not adversely affect protein function. In summary, the available evidence is currently insufficient to determine the role of this variant in disease. Therefore, it has been classified as a Variant of Uncertain Significance.

Illumina Laboratory Services, Illumina
Classification: Uncertain significance for Autosomal recessive limb-girdle muscular dystrophy type 2K. Last evaluated: 2018-01-13. Review status: criteria provided, single submitter. Criteria: ICSL Variant Classification Criteria 13 December 2019. Collection method: clinical testing. Allele origin: germline.